The following is an entry in ClinVar:

NM_031935.3(HMCN1):c.16385A>G (p.Gln5462Arg)

Gene: HMCN1 (hemicentin 1; plus strand). Cytogenetic location: 1q31.1.
Variant type: single nucleotide variant.
Coding change: c.16385A>G on transcript NM_031935.3 (MANE Select); coding-DNA position 16385, A replaced by G.
Protein change: p.Gln5462Arg; replaces glutamine 5462 with arginine.
Molecular consequence: missense variant.
Genome position (GRCh38, 1-based): chr1:186,182,258, A>G. VCF-style: chr1-186182258-A-G. GRCh37 (hg19) VCF-style: chr1-186151390-A-G.
Other names: short protein forms Q5462R.
Identifiers: ClinVar variation 781796 (VCV000781796.15), dbSNP rs35856562, ClinGen allele CA1295535.

ClinVar aggregate classification (germline): Likely benign. Review status: criteria provided, multiple submitters, no conflicts (2 of 4 stars). 4 submissions from 4 submitters: Likely benign (4). Last evaluated 2026-01-17.

Conditions:
Age related macular degeneration 1 (ARMD1). Also called: MACULOPATHY, AGE-RELATED, 1. Identifiers: MedGen C1864205, MONDO:0011285, OMIM 603075.

Allele frequency attached by ClinVar (database versions not stated): 1000 Genomes Project 30x 0.00062; 1000 Genomes Project 0.00080; gnomAD 0.00191 and 0.00193; TOPMed 0.00215; ExAC 0.00218; gnomAD exomes 0.00225 and 0.00307; ESP Exome Variant Server 0.00292.
gnomAD v4.1: 4,782 of 1,613,514 alleles (0.3%); highest among the groups gnomAD compares: Middle Eastern, 0.43%; 11 homozygotes.

Submissions (4):

Labcorp Genetics (formerly Invitae), Labcorp
Classification: Likely benign. Last evaluated: 2026-01-17. Review status: criteria provided, single submitter. Criteria: Invitae Variant Classification Sherloc (09022015). Collection method: clinical testing. Allele origin: germline.

Blueprint Genetics
Classification: Likely benign. Last evaluated: 2024-11-22. Review status: criteria provided, single submitter. Criteria: ACMG Guidelines, 2015. Collection method: clinical testing. Allele origin: germline.

Genome-Nilou Lab
Classification: Likely benign for Age related macular degeneration 1. Last evaluated: 2023-04-11. Review status: criteria provided, single submitter. Criteria: ACMG Guidelines, 2015. Collection method: clinical testing. Allele origin: germline. Affected: no.

Illumina Laboratory Services, Illumina
Classification: Likely benign for Age related macular degeneration 1. Last evaluated: 2017-04-27. Review status: criteria provided, single submitter. Criteria: ICSL Variant Classification Criteria 13 December 2019. Collection method: clinical testing. Allele origin: germline.
Comment: This variant was observed as part of a predisposition screen in an ostensibly healthy population. A literature search was performed for the gene, cDNA change, and amino acid change (where applicable). No publications were found based on this search. Allele frequency data from public databases allowed determination this variant is unlikely to cause disease. Therefore, this variant is classified as likely benign.